The following is an entry in ClinVar:

ClinVar aggregate classification (germline): Uncertain significance. Review status: criteria provided, multiple submitters, no conflicts (2 of 4 stars). 2 submissions from 2 submitters: Uncertain significance (2). Last evaluated 2026-06-03.

Conditions:
Inborn genetic diseases. Identifiers: MedGen C0950123, MeSH D030342.
Developmental and epileptic encephalopathy, 9 (DEE9). Also called: Early infantile epileptic encephalopathy 9; EPILEPSY, FEMALE-RESTRICTED, WITH MENTAL RETARDATION; JUBERG-HELLMAN SYNDROME; PCDH19-Related X-Linked Female-Limited Epilepsy with Mental Retardation. Identifiers: Orphanet 101039, Orphanet 2076, MedGen C1848137, MONDO:0010246, OMIM 300088. Disease mechanism: loss of function.

gnomAD v4.1: 4 of 1,209,307 alleles (0.00033%); highest among the groups gnomAD compares: African/African-American, 0.0018%; no homozygotes.

Submissions (2):

Ambry Genetics
Classification: Uncertain significance for Inborn genetic diseases. Last evaluated: 2026-06-03. Review status: criteria provided, single submitter. Criteria: Ambry Variant Classification Scheme 2023. Collection method: clinical testing. Allele origin: germline.

Labcorp Genetics (formerly Invitae), Labcorp
Classification: Uncertain significance for Developmental and epileptic encephalopathy, 9. Last evaluated: 2024-08-11. Review status: criteria provided, single submitter. Criteria: Invitae Variant Classification Sherloc (09022015). Collection method: clinical testing. Allele origin: germline.
Comment: This sequence change replaces glutamic acid, which is acidic and polar, with lysine, which is basic and polar, at codon 1003 of the PCDH19 protein (p.Glu1003Lys). This variant is not present in population databases (gnomAD no frequency). This variant has not been reported in the literature in individuals affected with PCDH19-related conditions. Advanced modeling of protein sequence and biophysical properties (such as structural, functional, and spatial information, amino acid conservation, physicochemical variation, residue mobility, and thermodynamic stability) has been performed at Invitae for this missense variant, however the output from this modeling did not meet the statistical confidence thresholds required to predict the impact of this variant on PCDH19 protein function. In summary, the available evidence is currently insufficient to determine the role of this variant in disease. Therefore, it has been classified as a Variant of Uncertain Significance.

NM_001184880.2(PCDH19):c.3007G>A (p.Glu1003Lys)

Gene: PCDH19 (protocadherin 19; minus strand). Cytogenetic location: Xq22.1.
Variant type: single nucleotide variant.
Coding change: c.3007G>A on transcript NM_001184880.2 (MANE Select); coding-DNA position 3007, G replaced by A.
Protein change: p.Glu1003Lys; replaces glutamic acid 1003 with lysine.
Molecular consequence: missense variant.
Genome position (GRCh38, 1-based): chrX:100,296,717, C>T on the plus strand (G>A on the coding strand, the complement: PCDH19 is on the minus strand). VCF-style: chrX-100296717-C-T. GRCh37 (hg19) VCF-style: chrX-99551715-C-T.
Other names: c.3007G>A (NM_001184880.1); c.2866G>A, p.Glu956Lys (NM_001105243.2); c.2863G>A, p.Glu955Lys (NM_020766.3); short protein forms E1003K, E955K, E956K.
Identifiers: ClinVar variation 3616298 (VCV003616298.3).